The following is an entry in ClinVar:

ClinVar aggregate classification (germline): Uncertain significance (1 of 4 stars; one submission).

Conditions:
Left ventricular noncompaction 1 (LVNC1). Also called: LEFT VENTRICULAR NONCOMPACTION 1 WITH OR WITHOUT CONGENITAL HEART DEFECTS. Identifiers: Orphanet 54260, MedGen C1858725, MONDO:0011403, OMIM 604169.

gnomAD v4.1: 1 of 1,614,012 alleles (0.000062%); highest among the groups gnomAD compares: African/African-American, 0.0013%; no homozygotes.

Submission:

Labcorp Genetics (formerly Invitae), Labcorp
Classification: Uncertain significance for Left ventricular noncompaction 1. Last evaluated: 2025-06-30. Review status: criteria provided, single submitter. Criteria: Invitae Variant Classification Sherloc (09022015). Collection method: clinical testing. Allele origin: germline.
Comment: This sequence change replaces leucine, which is neutral and non-polar, with phenylalanine, which is neutral and non-polar, at codon 430 of the DTNA protein (p.Leu430Phe). This variant is present in population databases (no rsID available, gnomAD 0.007%). This variant has not been reported in the literature in individuals affected with DTNA-related conditions. An algorithm developed to predict the effect of missense changes on protein structure and function (PolyPhen-2) suggests that this variant is likely to be tolerated. In summary, the available evidence is currently insufficient to determine the role of this variant in disease. Therefore, it has been classified as a Variant of Uncertain Significance.

NM_001386795.1(DTNA):c.1369C>T (p.Leu457Phe)

Gene: DTNA (dystrobrevin alpha; plus strand). Cytogenetic location: 18q12.1.
Variant type: single nucleotide variant.
Coding change: c.1369C>T on transcript NM_001386795.1 (MANE Select); coding-DNA position 1369, C replaced by T.
Protein change: p.Leu457Phe; replaces leucine 457 with phenylalanine.
Molecular consequence: missense variant. On other transcripts: intron variant (1).
Genome position (GRCh38, 1-based): chr18:34,848,318, C>T. VCF-style: chr18-34848318-C-T. GRCh37 (hg19) VCF-style: chr18-32428282-C-T.
Other names: c.1108C>T, p.Leu370Phe (NM_001198938.2, NM_001198939.2, NM_001198940.2 and 13 more transcripts); c.415C>T, p.Leu139Phe (NM_001198942.1); c.358C>T, p.Leu120Phe (NM_001198943.1); c.244C>T, p.Leu82Phe (NM_001198944.1); c.1198C>T, p.Leu400Phe (NM_001386754.1, NM_001386755.1, NM_001386756.1 and 5 more transcripts); c.1117C>T, p.Leu373Phe (NM_001386761.1, NM_001386762.1, NM_032975.4 and 1 more transcripts); c.1369C>T, p.Leu457Phe (NM_001386788.1); c.1288C>T, p.Leu430Phe (NM_001390.5, NM_001391.5); and 4 more; short protein forms L120F, L430F, L457F, L370F, L82F, L139F, L400F, L427F.
Identifiers: ClinVar variation 4719509 (VCV004719509.1).